The following is an entry in ClinVar:

ClinVar aggregate classification (germline): Uncertain significance. Review status: criteria provided, multiple submitters, no conflicts (2 of 4 stars). 4 submissions from 4 submitters: Uncertain significance (4). Last evaluated 2024-11-11.

Conditions:
Inborn genetic diseases. Identifiers: MedGen C0950123, MeSH D030342.
Donnai-Barrow syndrome. Also called: DBS/FOAR SYNDROME; FACIOOCULOACOUSTICORENAL SYNDROME. Identifiers: Orphanet 2143, MedGen C1857277, MONDO:0009104, OMIM 222448.

Allele frequency attached by ClinVar (database versions not stated): gnomAD exomes 0.00001 and 0.00002; ExAC 0.00003; TOPMed 0.00011; gnomAD 0.00013 and 0.00016; ESP Exome Variant Server 0.00015.
gnomAD v4.1: 34 of 1,612,238 alleles (0.0021%); highest among the groups gnomAD compares: African/African-American, 0.041%; no homozygotes.

Submissions (4):

Labcorp Genetics (formerly Invitae), Labcorp
Classification: Uncertain significance. Last evaluated: 2024-11-11. Review status: criteria provided, single submitter. Criteria: Invitae Variant Classification Sherloc (09022015). Collection method: clinical testing. Allele origin: germline.
Comment: This sequence change replaces asparagine, which is neutral and polar, with serine, which is neutral and polar, at codon 1768 of the LRP2 protein (p.Asn1768Ser). This variant is present in population databases (rs368182191, gnomAD 0.05%). This variant has not been reported in the literature in individuals affected with LRP2-related conditions. ClinVar contains an entry for this variant (Variation ID: 597287). Invitae Evidence Modeling of protein sequence and biophysical properties (such as structural, functional, and spatial information, amino acid conservation, physicochemical variation, residue mobility, and thermodynamic stability) indicates that this missense variant is not expected to disrupt LRP2 protein function with a negative predictive value of 95%. In summary, the available evidence is currently insufficient to determine the role of this variant in disease. Therefore, it has been classified as a Variant of Uncertain Significance.

Fulgent Genetics
Classification: Uncertain significance for Donnai-Barrow syndrome. Last evaluated: 2024-06-10. Review status: criteria provided, single submitter. Criteria: ACMG Guidelines, 2015. Collection method: clinical testing. Allele origin: germline.

Ambry Genetics
Classification: Uncertain significance for Inborn genetic diseases. Last evaluated: 2021-06-30. Review status: criteria provided, single submitter. Criteria: Ambry Variant Classification Scheme 2023. Collection method: clinical testing. Allele origin: germline.

Eurofins Ntd Llc (ga)
Classification: Uncertain significance. Last evaluated: 2018-05-16. Review status: criteria provided, single submitter. Criteria: EGL ClinVar v180209 classification definitions. Collection method: clinical testing. Allele origin: germline. Observed: 1 variant allele, 1 heterozygote.

NM_004525.3(LRP2):c.5303A>G (p.Asn1768Ser)

Gene: LRP2 (LDL receptor related protein 2; minus strand). Cytogenetic location: 2q31.1.
Variant type: single nucleotide variant.
Coding change: c.5303A>G on transcript NM_004525.3 (MANE Select); coding-DNA position 5303, A replaced by G.
Protein change: p.Asn1768Ser; replaces asparagine 1768 with serine.
Molecular consequence: missense variant.
Genome position (GRCh38, 1-based): chr2:169,226,513, T>C on the plus strand (A>G on the coding strand, the complement: LRP2 is on the minus strand). VCF-style: chr2-169226513-T-C. GRCh37 (hg19) VCF-style: chr2-170083023-T-C.
Other names: c.5303A>G (NM_004525.2); short protein forms N1768S.
Identifiers: ClinVar variation 597287 (VCV000597287.10), dbSNP rs368182191, ClinGen allele CA1954565.